The following is an entry in ClinVar:

ClinVar aggregate classification (germline): Likely benign. Review status: criteria provided, multiple submitters, no conflicts (2 of 4 stars). 2 submissions from 2 submitters: Likely benign (2). Last evaluated 2023-12-18.

Conditions:
Malignant hyperthermia, susceptibility to, 1 (MHS1). Also called: RYR1-Related Malignant Hyperthermia Susceptibility; Malignant hyperthermia suceptibility 1; Anesthesia related hyperthermia; Malignant hyperpyrexia; Fulminating hyperpyrexia; Pharmacogenic myopathy. Identifiers: Orphanet 423, MedGen C2930980, MONDO:0007783, OMIM 145600.
RYR1-related disorder. Also called: RYR1-related condition; RYR1-related disorders. Identifiers: MedGen CN239331.

Allele frequency attached by ClinVar (database versions not stated): gnomAD exomes below 0.00001.
gnomAD v4.1: 1 of 1,612,794 alleles (0.000062%); highest among the groups gnomAD compares: Admixed American, 0.0017%; no homozygotes.

Submissions (2):

All of Us Research Program, National Institutes of Health
Classification: Likely benign for Malignant hyperthermia, susceptibility to, 1. Last evaluated: 2023-12-18. Review status: criteria provided, single submitter. Criteria: ACMG Guidelines, 2015. Collection method: clinical testing. Allele origin: germline. Inheritance: Autosomal dominant inheritance. Observed: 1 variant allele, 1 heterozygote.
Comment: This study involves interpretation of variants in research participants for the purpose of population health screening. Participant phenotype was not available at the time of variant classification. Additional details can be found in publication PMID: 35346344, PMCID: PMC8962531

Labcorp Genetics (formerly Invitae), Labcorp
Classification: Likely benign for RYR1-related disorder. Last evaluated: 2023-10-20. Review status: criteria provided, single submitter. Criteria: Invitae Variant Classification Sherloc (09022015). Collection method: clinical testing. Allele origin: germline.

NM_000540.3(RYR1):c.5394C>T (p.Leu1798=)

Gene: RYR1 (ryanodine receptor 1; plus strand). Cytogenetic location: 19q13.2.
Variant type: single nucleotide variant.
Coding change: c.5394C>T on transcript NM_000540.3 (MANE Select); coding-DNA position 5394, C replaced by T.
Protein change: p.Leu1798=; no amino-acid change (leucine 1798 retained).
Molecular consequence: synonymous variant.
Genome position (GRCh38, 1-based): chr19:38,486,049, C>T. VCF-style: chr19-38486049-C-T. GRCh37 (hg19) VCF-style: chr19-38976689-C-T.
Other names: c.5394C>T, p.Leu1798= (NM_001042723.2).
Identifiers: ClinVar variation 2810341 (VCV002810341.4), dbSNP rs1473413279, ClinGen allele CA507353484.